The following is an entry in ClinVar:

NM_152564.5(VPS13B):c.817_818del (p.Met273fs)

Gene: VPS13B (vacuolar protein sorting 13 homolog B; plus strand). Cytogenetic location: 8q22.2.
Variant type: Deletion.
Coding change: c.817_818del on transcript NM_152564.5 (MANE Select); coding-DNA positions 817 to 818, 2 bases deleted (AT; older notation c.817_818delAT).
Protein change: p.Met273fs; shifts the reading frame from methionine 273.
Molecular consequence: frameshift variant. On other transcripts: non-coding transcript variant (1).
Genome position (GRCh38, 1-based): chr8:99,115,754-99,115,755, AT deleted; deleting any 2 consecutive bases within chr8:99,115,753-99,115,755 gives the same sequence; the c. name uses the placement nearest the transcript's 3' end. VCF-style (leftmost placement, unchanged base first): chr8-99115752-CTA-C. GRCh37 (hg19) VCF-style: chr8-100127980-CTA-C.
Other names: c.817_818del, p.Met273fs (NM_015243.3, NM_017890.5, NM_181661.3); short protein forms M273fs.
Identifiers: ClinVar variation 1456460 (VCV001456460.6), dbSNP rs2132497770, ClinGen allele CA2573143549.

ClinVar aggregate classification (germline): Pathogenic (1 of 4 stars; one submission).

Conditions:
Cohen syndrome (COH1). Also called: PEPPER SYNDROME; Cutis verticis gyrata, retinitis pigmentosa, and sensorineural deafness. Identifiers: Orphanet 193, MedGen C0265223, MONDO:0008999, OMIM 216550.

Submission:

Labcorp Genetics (formerly Invitae), Labcorp
Classification: Pathogenic for Cohen syndrome. Last evaluated: 2024-10-14. Review status: criteria provided, single submitter. Criteria: Invitae Variant Classification Sherloc (09022015). Collection method: clinical testing. Allele origin: germline.
Comment: This sequence change creates a premature translational stop signal (p.Met273Valfs*20) in the VPS13B gene. It is expected to result in an absent or disrupted protein product. Loss-of-function variants in VPS13B are known to be pathogenic (PMID: 15141358, 16648375, 20461111). This variant is not present in population databases (gnomAD no frequency). This variant has not been reported in the literature in individuals affected with VPS13B-related conditions. ClinVar contains an entry for this variant (Variation ID: 1456460). Algorithms developed to predict the effect of sequence changes on RNA splicing suggest that this variant may disrupt the consensus splice site. For these reasons, this variant has been classified as Pathogenic.

Literature cited by the submitters: PubMed 15141358; PubMed 16648375; PubMed 20461111.